The following is an entry in ClinVar:

ClinVar aggregate classification (germline): Likely benign (1 of 4 stars; one submission).

Submission:

CeGaT Center for Human Genetics Tuebingen
Classification: Likely benign. Last evaluated: 2022-07-01. Review status: criteria provided, single submitter. Criteria: CeGaT Center For Human Genetics Tuebingen Variant Classification Criteria Version 2. Collection method: clinical testing. Allele origin: germline. Affected: yes. Observed: 1 variant allele.
Comment: INPP5K: PM2:Supporting, BP4, BP7

NM_016532.4(INPP5K):c.1293C>T (p.Ile431=)

Gene: INPP5K (inositol polyphosphate-5-phosphatase K; minus strand). Cytogenetic location: 17p13.3.
Variant type: single nucleotide variant.
Coding change: c.1293C>T on transcript NM_016532.4 (MANE Select); coding-DNA position 1293, C replaced by T.
Protein change: p.Ile431=; no amino-acid change (isoleucine 431 retained).
Molecular consequence: synonymous variant.
Genome position (GRCh38, 1-based): chr17:1,495,877, G>A on the plus strand (C>T on the coding strand, the complement: INPP5K is on the minus strand). VCF-style: chr17-1495877-G-A. GRCh37 (hg19) VCF-style: chr17-1399171-G-A.
Other names: c.1065C>T, p.Ile355= (NM_001135642.2, NM_130766.3).
Identifiers: ClinVar variation 2647183 (VCV002647183.24), dbSNP rs2543885917, ClinGen allele CA497278595.